The following is an entry in ClinVar:

ClinVar aggregate classification (germline): Uncertain significance (1 of 4 stars; one submission).

Allele frequency attached by ClinVar (database versions not stated): gnomAD exomes below 0.00001; ExAC 0.00001.
gnomAD v4.1: 2 of 1,614,024 alleles (0.00012%); highest among the groups gnomAD compares: Non-Finnish European, 0.000085%; no homozygotes.

Submission:

Labcorp Genetics (formerly Invitae), Labcorp
Classification: Uncertain significance. Last evaluated: 2022-10-17. Review status: criteria provided, single submitter. Criteria: Invitae Variant Classification Sherloc (09022015). Collection method: clinical testing. Allele origin: germline.
Comment: In summary, the available evidence is currently insufficient to determine the role of this variant in disease. Therefore, it has been classified as a Variant of Uncertain Significance. Algorithms developed to predict the effect of missense changes on protein structure and function are either unavailable or do not agree on the potential impact of this missense change (SIFT: "Deleterious"; PolyPhen-2: "Probably Damaging"; Align-GVGD: "Class C0"). This variant has not been reported in the literature in individuals affected with ANKZF1-related conditions. This variant is present in population databases (rs767069000, gnomAD no frequency). This sequence change replaces leucine, which is neutral and non-polar, with valine, which is neutral and non-polar, at codon 695 of the ANKZF1 protein (p.Leu695Val).

NM_018089.3(ANKZF1):c.2083C>G (p.Leu695Val)

Gene: ANKZF1 (ankyrin repeat and zinc finger peptidyl tRNA hydrolase 1; plus strand). Cytogenetic location: 2q35.
Variant type: single nucleotide variant.
Coding change: c.2083C>G on transcript NM_018089.3 (MANE Select); coding-DNA position 2083, C replaced by G.
Protein change: p.Leu695Val; replaces leucine 695 with valine.
Molecular consequence: missense variant.
Genome position (GRCh38, 1-based): chr2:219,236,347, C>G. VCF-style: chr2-219236347-C-G. GRCh37 (hg19) VCF-style: chr2-220101069-C-G.
Other names: c.2083C>G, p.Leu695Val (NM_001042410.2); c.1453C>G, p.Leu485Val (NM_001282792.2); short protein forms L485V, L695V.
Identifiers: ClinVar variation 1721763 (VCV001721763.5), dbSNP rs767069000, ClinGen allele CA2121312.